The following is an entry in ClinVar:

NM_173628.4(DNAH17):c.13183C>T (p.Arg4395Trp)

Genes: DNAH17 (dynein axonemal heavy chain 17; minus strand), PGS1 (phosphatidylglycerophosphate synthase 1; plus strand). Cytogenetic location: 17q25.3.
Variant type: single nucleotide variant.
Coding change: c.13183C>T on transcript NM_173628.4 (MANE Select); coding-DNA position 13183, C replaced by T.
Protein change: p.Arg4395Trp; replaces arginine 4395 with tryptophan.
Molecular consequence: missense variant. On other transcripts: 3 prime UTR variant (1), non-coding transcript variant (3).
Genome position (GRCh38, 1-based): chr17:78,424,112, G>A on the plus strand (C>T on the coding strand, the complement: DNAH17 is on the minus strand). VCF-style: chr17-78424112-G-A. GRCh37 (hg19) VCF-style: chr17-76420193-G-A.
Other names: c.*62G>A (NM_024419.5); short protein forms R4395W.
Identifiers: ClinVar variation 3049256 (VCV003049256.2), dbSNP rs191671945, ClinGen allele CA8799596.
Genomic context (GRCh38, chr17:78,424,112, plus strand): 5'-GGTCCACAGGAATGGCCTTGATGAAGATGACAGGCATGGCCGGGGTCAGCTCTTTCAGCC[G>A]CGCTTCAGCGATGACTCCAGTCTGGGTGTCCCAGCGAGCCCCTGCAGGGACAGTATGGCT-3'
Protein context (NP_775899.3, residues 4385-4405): DTQTGVIAEA[Arg4395Trp]LKELTPAMPV

ClinVar aggregate classification (germline): Likely benign (0 of 4 stars; one submission).

Conditions:
DNAH17-related disorder. Also called: DNAH17-related condition.

Allele frequency attached by ClinVar (database versions not stated): ESP Exome Variant Server 0.00015; TOPMed 0.00026; gnomAD 0.00033; gnomAD exomes 0.00043; ExAC 0.00065; 1000 Genomes Project 30x 0.00234; 1000 Genomes Project 0.00300.
gnomAD v4.1: 667 of 1,613,604 alleles (0.041%); highest among the groups gnomAD compares: East Asian, 1.1%; 3 homozygotes.

Submission:

PreventionGenetics, part of Exact Sciences
Classification: Likely benign for DNAH17-related condition. Last evaluated: 2019-11-27. Review status: no assertion criteria provided. Collection method: clinical testing. Allele origin: germline.
Comment: This variant is classified as likely benign based on ACMG/AMP sequence variant interpretation guidelines (Richards et al. 2015 PMID: 25741868, with internal and published modifications).